The following is an entry in ClinVar:

ClinVar aggregate classification (germline): Likely benign. Review status: criteria provided, multiple submitters, no conflicts (2 of 4 stars). 5 submissions from 5 submitters: Likely benign (4). 1 of the submissions does not count toward it. Last evaluated 2025-08-24.

Conditions:
GLUD1-related disorder. Also called: GLUD1-related condition.
Inborn genetic diseases. Identifiers: MedGen C0950123, MeSH D030342.

Allele frequency attached by ClinVar (database versions not stated): gnomAD 0.00005; gnomAD exomes 0.00005; ExAC 0.00007; TOPMed 0.00007.
gnomAD v4.1: 83 of 1,613,848 alleles (0.0051%); highest among the groups gnomAD compares: Non-Finnish European, 0.0068%; no homozygotes.

Submissions (5):

Ambry Genetics
Classification: Likely benign for Inborn genetic diseases. Last evaluated: 2025-08-24. Review status: criteria provided, single submitter. Criteria: Ambry Variant Classification Scheme 2023. Collection method: clinical testing. Allele origin: germline.

Blueprint Genetics
Classification: Likely benign. Last evaluated: 2023-10-23. Review status: criteria provided, single submitter. Criteria: ACMG Guidelines, 2015. Collection method: clinical testing. Allele origin: germline.

CeGaT Center for Human Genetics Tuebingen
Classification: Likely benign. Last evaluated: 2023-01-01. Review status: criteria provided, single submitter. Criteria: CeGaT Center For Human Genetics Tuebingen Variant Classification Criteria Version 2. Collection method: clinical testing. Allele origin: germline. Affected: yes. Observed: 1 variant allele.
Comment: GLUD1: BP4, BP7

GeneDx
Classification: Likely benign. Last evaluated: 2017-11-30. Review status: criteria provided, single submitter. Criteria: GeneDx Variant Classification (06012015). Collection method: clinical testing. Allele origin: germline. Affected: yes.
Comment: This variant is considered likely benign or benign based on one or more of the following criteria: it is a conservative change, it occurs at a poorly conserved position in the protein, it is predicted to be benign by multiple in silico algorithms, and/or has population frequency not consistent with disease.

PreventionGenetics, part of Exact Sciences
Classification: Likely benign for GLUD1-related condition. Last evaluated: 2019-03-22. Review status: no assertion criteria provided. Collection method: clinical testing. Allele origin: germline. Not counted in ClinVar's aggregate classification.
Comment: This variant is classified as likely benign based on ACMG/AMP sequence variant interpretation guidelines (Richards et al. 2015 PMID: 25741868, with internal and published modifications).

NM_005271.5(GLUD1):c.978A>G (p.Lys326=)

Gene: GLUD1 (glutamate dehydrogenase 1; minus strand). Cytogenetic location: 10q23.2.
Variant type: single nucleotide variant.
Coding change: c.978A>G on transcript NM_005271.5 (MANE Select); coding-DNA position 978, A replaced by G.
Protein change: p.Lys326=; no amino-acid change (lysine 326 retained).
Molecular consequence: synonymous variant.
Genome position (GRCh38, 1-based): chr10:87,060,996, T>C on the plus strand (A>G on the coding strand, the complement: GLUD1 is on the minus strand). VCF-style: chr10-87060996-T-C. GRCh37 (hg19) VCF-style: chr10-88820753-T-C.
Other names: c.579A>G, p.Lys193= (NM_001318900.1); c.477A>G, p.Lys159= (NM_001318901.1, NM_001318902.1, NM_001318904.2 and 2 more transcripts); c.978A>G (NM_005271.4).
Identifiers: ClinVar variation 513841 (VCV000513841.32), dbSNP rs779595767, ClinGen allele CA5587535.